The following is an entry in ClinVar:

NM_006947.4(SRP72):c.817A>G (p.Ile273Val)

Gene: SRP72 (signal recognition particle 72; plus strand). Cytogenetic location: 4q12.
Variant type: single nucleotide variant.
Coding change: c.817A>G on transcript NM_006947.4 (MANE Select); coding-DNA position 817, A replaced by G.
Protein change: p.Ile273Val; replaces isoleucine 273 with valine.
Molecular consequence: missense variant. On other transcripts: non-coding transcript variant (1), intron variant (1).
Genome position (GRCh38, 1-based): chr4:56,478,641, A>G. VCF-style: chr4-56478641-A-G. GRCh37 (hg19) VCF-style: chr4-57344807-A-G.
Other names: c.642+1939A>G (NM_001267722.2); short protein forms I273V.
Identifiers: ClinVar variation 4841445 (VCV004841445.1).
Genomic context (GRCh38, chr4:56,478,641, plus strand): 5'-GTTGTTCACAGACCAACAGATGTGGGATTACTAGCTGTAATTGCAAATAACATCATTACC[A>G]TTAACAAGGTATGGAGTATTTGTGCTTTCCATAGATATATTTTACCCTGAAAGCTCATCA-3'
Protein context (NP_008878.3, residues 263-283): LAVIANNIIT[Ile273Val]NKDQNVFDSK

ClinVar aggregate classification (germline): Uncertain significance (1 of 4 stars; one submission).

Submission:

Ambry Genetics
Classification: Uncertain significance. Last evaluated: 2025-12-17. Review status: criteria provided, single submitter. Criteria: Ambry Variant Classification Scheme 2023. Collection method: clinical testing. Allele origin: germline.
Comment: The p.I273V variant (also known as c.817A>G), located in coding exon 8 of the SRP72 gene, results from an A to G substitution at nucleotide position 817. The isoleucine at codon 273 is replaced by valine, an amino acid with highly similar properties. This amino acid position is conserved. In addition, this alteration is predicted to be tolerated by in silico analysis. Based on the available evidence, the clinical significance of this variant remains unclear.